The following is an entry in ClinVar:

ClinVar aggregate classification (germline): Likely pathogenic (1 of 4 stars; one submission).

Conditions:
46 XY differences of sex development. Also called: 46, XY disorder of sex development (DSD); 46,XY disorder of sex development. Identifiers: Orphanet 98085, MedGen C2751824, MONDO:0020040.
Oligosynaptic infertility (SPGF1). Also called: SPERMATOGENIC FAILURE 1; OLIGOCHIASMATIC INFERTILITY. Identifiers: MedGen C0403810, MONDO:0009776, OMIM 258150.

Submission:

Labcorp Genetics (formerly Invitae), Labcorp
Classification: Likely pathogenic for 46 XY differences of sex development; Oligosynaptic infertility. Last evaluated: 2025-04-21. Review status: criteria provided, single submitter. Criteria: Invitae Variant Classification Sherloc (09022015). Collection method: clinical testing. Allele origin: germline.
Comment: This sequence change affects an acceptor splice site in intron 2 of the NR5A1 gene. It is expected to disrupt RNA splicing. Variants that disrupt the donor or acceptor splice site typically lead to a loss of protein function (PMID: 16199547), and loss-of-function variants in NR5A1 are known to be pathogenic (PMID: 10369247, 12907682, 19246354). This variant is not present in population databases (gnomAD no frequency). This variant has not been reported in the literature in individuals affected with NR5A1-related conditions. Algorithms developed to predict the effect of sequence changes on RNA splicing suggest that this variant may disrupt the consensus splice site. In summary, the currently available evidence indicates that the variant is pathogenic, but additional data are needed to prove that conclusively. Therefore, this variant has been classified as Likely Pathogenic.

Literature cited by the submitters: PubMed 16199547; PubMed 10369247; PubMed 12907682; PubMed 19246354.

NM_004959.5(NR5A1):c.103-2A>G

Gene: NR5A1 (nuclear receptor subfamily 5 group A member 1; minus strand). Cytogenetic location: 9q33.3.
Variant type: single nucleotide variant.
Coding change: c.103-2A>G on transcript NM_004959.5 (MANE Select); the canonical splice acceptor site of the intron before coding-DNA position 103, A replaced by G.
Molecular consequence: splice acceptor variant.
Genome position (GRCh38, 1-based): chr9:124,503,222, T>C on the plus strand (A>G on the coding strand, the complement: NR5A1 is on the minus strand). VCF-style: chr9-124503222-T-C. GRCh37 (hg19) VCF-style: chr9-127265501-T-C.
Identifiers: ClinVar variation 4783700 (VCV004783700.1).
Genomic context (GRCh38, chr9:124,503,222, plus strand): 5'-CTCTGGCTCTCGGTGCACGTGTAGTGCTTGTTGTTCTGCACCGTGCGCTTGAAGAAGCCC[T>C]GCGGGAGCTGAGAGTCAGCGAGGCCCCGCAGCGCCCGTCTGCCGCACCCCTGCCGCGCGC-3'